The following is an entry in ClinVar:

NM_001267550.2(TTN):c.52331G>A (p.Arg17444His)

Genes: TTN (titin; minus strand), TTN-AS1 (TTN antisense RNA 1; plus strand). Cytogenetic location: 2q31.2.
Variant type: single nucleotide variant.
Coding change: c.52331G>A on transcript NM_001267550.2 (MANE Select); coding-DNA position 52331, G replaced by A.
Protein change: p.Arg17444His; replaces arginine 17444 with histidine.
Molecular consequence: missense variant.
Genome position (GRCh38, 1-based): chr2:178,608,680, C>T on the plus strand (G>A on the coding strand, the complement: TTN is on the minus strand). VCF-style: chr2-178608680-C-T. GRCh37 (hg19) VCF-style: chr2-179473407-C-T.
Other names: p.R14876H:CGT>CAT; c.47408G>A, p.Arg15803His (NM_001256850.1); c.25136G>A, p.Arg8379His (NM_003319.4); c.44627G>A, p.Arg14876His (NM_133378.4); c.25511G>A, p.Arg8504His (NM_133432.3); c.25712G>A, p.Arg8571His (NM_133437.4); short protein forms R14876H, R17444H, R15803H, R8504H, R8571H, R8379H.
Identifiers: ClinVar variation 202309 (VCV000202309.27), dbSNP rs376080116, ClinGen allele CA309043.
Genomic context (GRCh38, chr2:178,608,680, plus strand): 5'-GCCACAAGTGGCTTTGAAACACATGGTGGACCTGGCCCAAATCTGTTTTCAGCTCTTACA[C>T]GGAAGAGGTACTCTTTTCCTTCAATCAGTTTTGTTACTGAATATTTGCAATGTCTAAGTG-3'
Protein context (NP_001254479.2, residues 17434-17454): KLIEGKEYLF[Arg17444His]VRAENRFGPG

ClinVar aggregate classification (germline): Conflicting classifications of pathogenicity. Review status: criteria provided, conflicting classifications (1 of 4 stars). 7 submissions from 7 submitters: Uncertain significance (3); Likely benign (4). Last evaluated 2026-01-26.

Conditions:
TTN-related disorder. Also called: TTN-related condition; TTN-related disease; TTN-related disorders.
Cardiovascular phenotype. Identifiers: MedGen CN230736.
Dilated cardiomyopathy 1G (CMD1G). Identifiers: Orphanet 154, MedGen C1858763, MONDO:0011400, OMIM 604145.
Autosomal recessive limb-girdle muscular dystrophy type 2J (LGMDR10). Also called: Limb-girdle muscular dystrophy, type 2J; MUSCULAR DYSTROPHY, LIMB-GIRDLE, AUTOSOMAL RECESSIVE 10. Identifiers: Orphanet 140922, MedGen C1837342, MONDO:0012127, OMIM 608807.

Allele frequency attached by ClinVar (database versions not stated): gnomAD exomes 0.00008 and 0.00028; gnomAD 0.00013 and 0.00014; TOPMed 0.00016; ESP Exome Variant Server 0.00017; ExAC 0.00024.
gnomAD v4.1: 134 of 1,612,006 alleles (0.0083%); highest among the groups gnomAD compares: Admixed American, 0.09%; no homozygotes.

Submissions (7):

PreventionGenetics, part of Exact Sciences
Classification: Uncertain significance for TTN-related condition. Last evaluated: 2026-01-26. Review status: criteria provided, single submitter. Criteria: ACMG Guidelines, 2015. Collection method: clinical testing. Allele origin: germline.
Comment: The TTN c.52331G>A variant is predicted to result in the amino acid substitution p.Arg17444His. To our knowledge, this variant has not been reported in the literature. This variant is reported in 0.13% of alleles in individuals of Latino descent in gnomAD. Although we suspect that this variant may be benign, at this time, the clinical significance of this variant is uncertain due to the absence of conclusive functional and genetic evidence.

Labcorp Genetics (formerly Invitae), Labcorp
Classification: Likely benign for Dilated cardiomyopathy 1G; Autosomal recessive limb-girdle muscular dystrophy type 2J. Last evaluated: 2026-01-21. Review status: criteria provided, single submitter. Criteria: Invitae Variant Classification Sherloc (09022015). Collection method: clinical testing. Allele origin: germline.

Revvity Omics, Revvity
Classification: Uncertain significance. Last evaluated: 2024-07-10. Review status: criteria provided, single submitter. Criteria: ACMG Guidelines, 2015. Collection method: clinical testing. Allele origin: germline.

Women's Health and Genetics/Laboratory Corporation of America, LabCorp
Classification: Likely benign. Last evaluated: 2022-07-25. Review status: criteria provided, single submitter. Criteria: LabCorp Variant Classification Summary - May 2015. Collection method: clinical testing. Allele origin: germline.
Comment: Variant summary: TTN c.44627G>A (p.Arg14876His) results in a non-conservative amino acid change located in the A Band of the encoded protein sequence. Five of five in-silico tools predict a damaging effect of the variant on protein function. The variant allele was found at a frequency of 0.00028 in 246630 control chromosomes, predominantly at a frequency of 0.0014 within the Latino subpopulation in the gnomAD database. The observed variant frequency within Latino control individuals in the gnomAD database is approximately 4 fold of the estimated maximal expected allele frequency for a pathogenic variant in TTN causing Dilated Cardiomyopathy phenotype (0.00039), strongly suggesting that the variant is a benign polymorphism found primarily in populations of Latino origin. To our knowledge, no occurrence of c.44627G>A in individuals affected with Dilated Cardiomyopathy and no experimental evidence demonstrating its impact on protein function have been reported. Three clinical diagnostic laboratories have submitted clinical-significance assessments for this variant to ClinVar after 2014 and classified the variant as likely benign (n=2) and VUS (n=1). Based on the evidence outlined above, the variant was classified as likely benign.

GeneDx
Classification: Likely benign. Last evaluated: 2020-08-05. Review status: criteria provided, single submitter. Criteria: GeneDx Variant Classification Process June 2021. Collection method: clinical testing. Allele origin: germline. Affected: yes.

Ambry Genetics
Classification: Likely benign for Cardiovascular phenotype. Last evaluated: 2020-01-29. Review status: criteria provided, single submitter. Criteria: Ambry Variant Classification Scheme 2023. Collection method: clinical testing. Allele origin: germline.

Eurofins Ntd Llc (ga)
Classification: Uncertain significance. Last evaluated: 2018-05-31. Review status: criteria provided, single submitter. Criteria: EGL ClinVar v180209 classification definitions. Collection method: clinical testing. Allele origin: germline. Observed: 1 variant allele, 1 heterozygote.